The following is an entry in ClinVar:

ClinVar aggregate classification (germline): Uncertain significance (1 of 4 stars; one submission).

Conditions:
Gastrointestinal stromal tumor. Also called: Gastrointestinal stroma tumor; Gastrointestinal stromal tumor, somatic. Identifiers: Orphanet 44890, MedGen C0238198, MeSH D046152, MONDO:0011719, OMIM 606764, HP:0100723.

Submission:

Labcorp Genetics (formerly Invitae), Labcorp
Classification: Uncertain significance for Gastrointestinal stromal tumor. Last evaluated: 2022-01-19. Review status: criteria provided, single submitter. Criteria: Invitae Variant Classification Sherloc (09022015). Collection method: clinical testing. Allele origin: germline.
Comment: In summary, the available evidence is currently insufficient to determine the role of this variant in disease. Therefore, it has been classified as a Variant of Uncertain Significance. Algorithms developed to predict the effect of missense changes on protein structure and function (SIFT, PolyPhen-2, Align-GVGD) all suggest that this variant is likely to be tolerated. This variant has not been reported in the literature in individuals affected with KIT-related conditions. This variant is not present in population databases (gnomAD no frequency). This sequence change replaces threonine, which is neutral and polar, with serine, which is neutral and polar, at codon 276 of the KIT protein (p.Thr276Ser).

NM_000222.3(KIT):c.826A>T (p.Thr276Ser)

Gene: KIT (KIT proto-oncogene, receptor tyrosine kinase; plus strand). Cytogenetic location: 4q12.
Variant type: single nucleotide variant.
Coding change: c.826A>T on transcript NM_000222.3 (MANE Select); coding-DNA position 826, A replaced by T.
Protein change: p.Thr276Ser; replaces threonine 276 with serine.
Molecular consequence: missense variant.
Genome position (GRCh38, 1-based): chr4:54,703,793, A>T. VCF-style: chr4-54703793-A-T. GRCh37 (hg19) VCF-style: chr4-55569959-A-T.
Other names: c.826A>T, p.Thr276Ser (NM_001093772.2, NM_001385285.1, NM_001385286.1); c.829A>T, p.Thr277Ser (NM_001385284.1, NM_001385288.1, NM_001385290.1 and 1 more transcripts); short protein forms T277S, T276S.
Identifiers: ClinVar variation 2087989 (VCV002087989.4), dbSNP rs2475469401, ClinGen allele CA356899748.